The following is an entry in ClinVar:

NM_001349798.2(FBXW7):c.502-2424C>G

Gene: FBXW7 (F-box and WD repeat domain containing 7; minus strand). Cytogenetic location: 4q31.3.
Variant type: single nucleotide variant.
Coding change: c.502-2424C>G on transcript NM_001349798.2 (MANE Select); 2424 bases into the intron before coding-DNA position 502, C replaced by G.
Molecular consequence: intron variant. On other transcripts: missense variant (1).
Genome position (GRCh38, 1-based): chr4:152,352,548, G>C on the plus strand (C>G on the coding strand, the complement: FBXW7 is on the minus strand). VCF-style: chr4-152352548-G-C. GRCh37 (hg19) VCF-style: chr4-153273700-G-C.
Other names: c.183C>G, p.His61Gln (NM_018315.5); c.148-2424C>G (NM_001013415.2); c.502-2424C>G (NM_033632.3); short protein forms H61Q.
Identifiers: ClinVar variation 4813185 (VCV004813185.1).

ClinVar aggregate classification (germline): Uncertain significance (1 of 4 stars; one submission).

Conditions:
Developmental delay, hypotonia, and impaired language (DEDHIL). Identifiers: MedGen C5774202, MONDO:0859280, OMIM 620012.

gnomAD v4.1: 1 of 1,613,802 alleles (0.000062%); highest among the groups gnomAD compares: Non-Finnish European, 0.000085%; no homozygotes.

Submission:

St. Jude Molecular Pathology, St. Jude Children's Research Hospital
Classification: Uncertain significance for Developmental delay, hypotonia, and impaired language. Last evaluated: 2026-02-20. Review status: criteria provided, single submitter. Criteria: St. Jude Assertion Criteria 2020. Collection method: clinical testing. Allele origin: germline.
Comment: The FBXW7 c.183C>G p.(His61Gln) missense change is absent in gnomAD v2.1.1 (.). The in silico tool REVEL predicts a benign effect on protein function, but to our knowledge this prediction has not been confirmed by functional studies. To our knowledge, this variant has not been reported in the literature in ind ividuals with FBXW7-associated conditions. In summary, the evidence currently available is insufficient to determine the clinical significance of this variant. It has therefore been classified as of uncertain significance.